The following is an entry in ClinVar:

ClinVar aggregate classification (germline): Uncertain significance (1 of 4 stars; one submission).

Conditions:
Neuropathy, hereditary sensory and autonomic, type 2A (HSAN2A). Also called: MORVAN DISEASE; NEUROPATHY, CONGENITAL SENSORY; NEUROPATHY, HEREDITARY SENSORY RADICULAR, AUTOSOMAL RECESSIVE; NEUROPATHY, HEREDITARY SENSORY, TYPE IIA; NEUROPATHY, PROGRESSIVE SENSORY, OF CHILDREN; ACROOSTEOLYSIS, GIACCAI TYPE. Identifiers: Orphanet 970, MedGen C2752089, MONDO:0024309, OMIM 201300.
Generalized epilepsy with febrile seizures plus, type 7 (GEFSP7). Also called: GEFS+, TYPE 7. Identifiers: Orphanet 36387, MedGen C2751778, MONDO:0013470, OMIM 613863.

Submission:

Labcorp Genetics (formerly Invitae), Labcorp
Classification: Uncertain significance for Neuropathy, hereditary sensory and autonomic, type 2A; Generalized epilepsy with febrile seizures plus, type 7. Last evaluated: 2023-11-14. Review status: criteria provided, single submitter. Criteria: Invitae Variant Classification Sherloc (09022015). Collection method: clinical testing. Allele origin: germline.
Comment: This sequence change replaces tyrosine, which is neutral and polar, with phenylalanine, which is neutral and non-polar, at codon 1269 of the SCN9A protein (p.Tyr1269Phe). This variant is not present in population databases (gnomAD no frequency). This variant has not been reported in the literature in individuals affected with SCN9A-related conditions. Advanced modeling of protein sequence and biophysical properties (such as structural, functional, and spatial information, amino acid conservation, physicochemical variation, residue mobility, and thermodynamic stability) performed at Invitae indicates that this missense variant is not expected to disrupt SCN9A protein function with a negative predictive value of 95%. In summary, the available evidence is currently insufficient to determine the role of this variant in disease. Therefore, it has been classified as a Variant of Uncertain Significance.

NM_001365536.1(SCN9A):c.3839A>T (p.Tyr1280Phe)

Genes: SCN9A (sodium voltage-gated channel alpha subunit 9; minus strand), SCN1A-AS1 (SCN1A and SCN9A antisense RNA 1; plus strand). Cytogenetic location: 2q24.3.
Variant type: single nucleotide variant.
Coding change: c.3839A>T on transcript NM_001365536.1 (MANE Select); coding-DNA position 3839, A replaced by T.
Protein change: p.Tyr1280Phe; replaces tyrosine 1280 with phenylalanine.
Molecular consequence: missense variant.
Genome position (GRCh38, 1-based): chr2:166,233,425, T>A on the plus strand (A>T on the coding strand, the complement: SCN9A is on the minus strand). VCF-style: chr2-166233425-T-A. GRCh37 (hg19) VCF-style: chr2-167089935-T-A.
Other names: c.3806A>T, p.Tyr1269Phe (NM_002977.4); short protein forms Y1269F, Y1280F.
Identifiers: ClinVar variation 2927022 (VCV002927022.3), dbSNP rs200153808, ClinGen allele CA349066601.